The following is an entry in ClinVar:

NM_007215.4(POLG2):c.148C>T (p.Leu50Phe)

Genes: MILR1 (mast cell immunoglobulin like receptor 1; plus strand), POLG2 (DNA polymerase gamma 2, accessory subunit; minus strand). Cytogenetic location: 17q23.3.
Variant type: single nucleotide variant.
Coding change: c.148C>T on transcript NM_007215.4 (MANE Select); coding-DNA position 148, C replaced by T.
Protein change: p.Leu50Phe; replaces leucine 50 with phenylalanine.
Molecular consequence: missense variant.
Genome position (GRCh38, 1-based): chr17:64,496,821, G>A on the plus strand (C>T on the coding strand, the complement: POLG2 is on the minus strand). VCF-style: chr17-64496821-G-A. GRCh37 (hg19) VCF-style: chr17-62492939-G-A.
Other names: short protein forms L50F.
Identifiers: ClinVar variation 1519112 (VCV001519112.8), dbSNP rs1309326584, ClinGen allele CA400641547.

ClinVar aggregate classification (germline): Uncertain significance (1 of 4 stars; one submission).

Allele frequency attached by ClinVar (database versions not stated): gnomAD exomes below 0.00001; TOPMed below 0.00001.
gnomAD v4.1: 2 of 1,613,666 alleles (0.00012%); highest among the groups gnomAD compares: East Asian, 0.0022%; no homozygotes.

Submission:

Labcorp Genetics (formerly Invitae), Labcorp
Classification: Uncertain significance. Last evaluated: 2021-04-03. Review status: criteria provided, single submitter. Criteria: Invitae Variant Classification Sherloc (09022015). Collection method: clinical testing. Allele origin: germline.
Comment: In summary, the available evidence is currently insufficient to determine the role of this variant in disease. Therefore, it has been classified as a Variant of Uncertain Significance. Algorithms developed to predict the effect of missense changes on protein structure and function (SIFT, PolyPhen-2, Align-GVGD) all suggest that this variant is likely to be tolerated, but these predictions have not been confirmed by published functional studies and their clinical significance is uncertain. This variant has not been reported in the literature in individuals with POLG2-related conditions. This variant is not present in population databases (ExAC no frequency). This sequence change replaces leucine with phenylalanine at codon 50 of the POLG2 protein (p.Leu50Phe). The leucine residue is weakly conserved and there is a small physicochemical difference between leucine and phenylalanine.